The following is an entry in ClinVar:

ClinVar aggregate classification (germline): Conflicting classifications of pathogenicity. Review status: criteria provided, conflicting classifications (1 of 4 stars). 4 submissions from 4 submitters: Pathogenic (1); Likely pathogenic (2); Uncertain significance (1). Last evaluated 2024-12-09.

Conditions:
Neurodegeneration with brain iron accumulation 6 (NBIA6). Also called: COASY protein-associated neurodegeneration. Identifiers: Orphanet 397725, MedGen C4517377, MONDO:0014290, OMIM 615643.
Pontocerebellar hypoplasia, type 12. Identifiers: Orphanet 611256, MedGen C4748873, MONDO:0032643, OMIM 618266.

Allele frequency attached by ClinVar (database versions not stated): gnomAD exomes 0.00001 and 0.00002; ExAC 0.00003; gnomAD 0.00003 and 0.00004; TOPMed 0.00005; ESP Exome Variant Server 0.00015.
gnomAD v4.1: 23 of 1,613,466 alleles (0.0014%); highest among the groups gnomAD compares: African/African-American, 0.008%; no homozygotes.

Submissions (5):

Labcorp Genetics (formerly Invitae), Labcorp
Classification: Pathogenic for Neurodegeneration with brain iron accumulation 6. Last evaluated: 2024-12-09. Review status: criteria provided, single submitter. Criteria: Invitae Variant Classification Sherloc (09022015). Collection method: clinical testing. Allele origin: germline.
Comment: This sequence change creates a premature translational stop signal (p.Arg339*) in the COASY gene. It is expected to result in an absent or disrupted protein product. Loss-of-function variants in COASY are known to be pathogenic (PMID: 24360804, 30089828). This variant is present in population databases (rs139742477, gnomAD 0.02%). This variant has not been reported in the literature in individuals affected with COASY-related conditions. ClinVar contains an entry for this variant (Variation ID: 1472390). For these reasons, this variant has been classified as Pathogenic.

Fulgent Genetics
Classification: Likely pathogenic for Neurodegeneration with brain iron accumulation 6; Pontocerebellar hypoplasia, type 12. Last evaluated: 2024-05-07. Review status: criteria provided, single submitter. Criteria: ACMG Guidelines, 2015. Collection method: clinical testing. Allele origin: germline.

Department of Pathology and Laboratory Medicine, Sinai Health System
Classification: Likely pathogenic for Neurodegeneration with brain iron accumulation 6; Pontocerebellar hypoplasia, type 12. Last evaluated: 2023-01-23. Review status: criteria provided, single submitter. Criteria: ACMG Guidelines, 2015. Collection method: research. Allele origin: germline.

Revvity Omics, Revvity
Classification: Uncertain significance. Last evaluated: 2020-03-19. Review status: criteria provided, single submitter. Criteria: ACMG Guidelines, 2015. Collection method: clinical testing. Allele origin: germline.

Dr. Peter K. Rogan Lab, Western University
No classification provided (evidence only). Condition: Cervical cancer. Review status: no classification provided. Collection method: in vitro. Allele origin: not applicable. Functional consequence: retained intron. Not counted in ClinVar's aggregate classification.

Literature cited by the submitters: PubMed 24360804 (cited by Labcorp Genetics (formerly Invitae), Labcorp); PubMed 30089828 (cited by Labcorp Genetics (formerly Invitae), Labcorp).

NM_025233.7(COASY):c.1015C>T (p.Arg339Ter)

Gene: COASY (Coenzyme A synthase; plus strand). Cytogenetic location: 17q21.2.
Variant type: single nucleotide variant.
Coding change: c.1015C>T on transcript NM_025233.7 (MANE Select); coding-DNA position 1015, C replaced by T.
Protein change: p.Arg339Ter; replaces arginine 339 with a stop codon.
Molecular consequence: nonsense.
Genome position (GRCh38, 1-based): chr17:42,564,545, C>T. VCF-style: chr17-42564545-C-T. GRCh37 (hg19) VCF-style: chr17-40716563-C-T.
Other names: c.1015C>T (NM_025233.6); c.1015C>T, p.Arg339Ter (NM_001042529.3); c.1102C>T, p.Arg368Ter (NM_001042532.4); short protein forms R339*, R368*.
Identifiers: ClinVar variation 1472390 (VCV001472390.12), dbSNP rs139742477, ClinGen allele CA8578165.
Genomic context (GRCh38, chr17:42,564,545, plus strand): 5'-AAGGACCTCAGACATACAGAGAATGAAGAGGACAAAGTCAGCTCCTCCAGCTTCCGCCAG[C>T]GAATGTTGGGGAACCTGCTTCGGCCTCCATATGTAAGCTCCTCTCCCTCCTTCCCTCCTG-3'